The following is an entry in ClinVar:

ClinVar aggregate classification (germline): Conflicting classifications of pathogenicity. Review status: criteria provided, conflicting classifications (1 of 4 stars). 4 submissions from 4 submitters: Uncertain significance (3); Likely benign (1). Last evaluated 2025-09-07.

Conditions:
Cardiovascular phenotype. Identifiers: MedGen CN230736.
Long QT syndrome (LQTS). Identifiers: MedGen C0023976, MeSH D008133, MONDO:0002442. Disease mechanism: loss of function. Inheritance: Various modes of inheritance.
Cardiac arrhythmia. Also called: Arrhythmia; Cardiac rhythm disease. Identifiers: MedGen C0003811, MONDO:0007263, HP:0011675.

Allele frequency attached by ClinVar (database versions not stated): gnomAD exomes 0.00002 and 0.00003; gnomAD 0.00007 and 0.00008; TOPMed 0.00030; 1000 Genomes Project 30x 0.00031.

Submissions (4):

Labcorp Genetics (formerly Invitae), Labcorp
Classification: Uncertain significance for Long QT syndrome. Last evaluated: 2025-09-07. Review status: criteria provided, single submitter. Criteria: Invitae Variant Classification Sherloc (09022015). Collection method: clinical testing. Allele origin: germline.
Comment: This variant, c.7034_7036del, is a complex sequence change that results in the deletion of 2 and insertion of 1 amino acid(s) in the AKAP9 protein (p.Arg2345_Glu2346delinsLys). This variant is present in population databases (rs786205709, gnomAD 0.009%). This variant has not been reported in the literature in individuals affected with AKAP9-related conditions. ClinVar contains an entry for this variant (Variation ID: 190490). Experimental studies and prediction algorithms are not available or were not evaluated, and the functional significance of this variant is currently unknown. In summary, the available evidence is currently insufficient to determine the role of this variant in disease. Therefore, it has been classified as a Variant of Uncertain Significance.

Ambry Genetics
Classification: Uncertain significance for Cardiovascular phenotype. Last evaluated: 2025-06-13. Review status: criteria provided, single submitter. Criteria: Ambry Variant Classification Scheme 2023. Collection method: clinical testing. Allele origin: germline.
Comment: The c.7034_7036delGAG variant (also known as p.R2345_E2346delinsK) is located in coding exon 31 of the AKAP9 gene. This variant results from an in-frame GAG deletion at nucleotide positions 7034 to 7036. The arginine and glutamic acid at codons 2345 and 2346 are replaced by a lysine. This amino acid region is not well conserved in available vertebrate species. In addition, this alteration is predicted to be deleterious by in silico analysis (Choi Y et al. PLoS ONE. 2012; 7(10):e46688). The evidence for this gene-disease relationship is limited; therefore, the clinical significance of this alteration is unclear.

Women's Health and Genetics/Laboratory Corporation of America, LabCorp
Classification: Uncertain significance. Last evaluated: 2024-08-19. Review status: criteria provided, single submitter. Criteria: LabCorp Variant Classification Summary - May 2015. Collection method: clinical testing. Allele origin: germline.
Comment: Variant summary: AKAP9 c.7034_7036delGAG (p.Arg2345_Glu2346delinsLys) results in an in-frame deletion-insertion that is predicted to delete two amino acids and insert an alternate single amino acid, causing changes to two amino acids in the protein. The variant allele was found at a frequency of 1.6e-05 in 251034 control chromosomes. The available data on variant occurrences in the general population are insufficient to allow any conclusion about variant significance. To our knowledge, no occurrence of c.7034_7036delGAG in individuals affected with Long QT Syndrome and no experimental evidence demonstrating its impact on protein function have been reported. ClinVar contains an entry for this variant (Variation ID: 190490). Based on the evidence outlined above, the variant was classified as uncertain significance.

GeneDx
Classification: Likely benign for Cardiac arrhythmia. Last evaluated: 2011-11-04. Review status: criteria provided, single submitter. Criteria: GeneDx Variant Classification (06012015). Collection method: clinical testing. Allele origin: germline. Affected: yes.
Comment: The variant is found in LQT panel(s).

NM_005751.5(AKAP9):c.7034_7036del (p.Arg2345_Glu2346delinsLys)

Gene: AKAP9 (A-kinase anchoring protein 9; plus strand). Cytogenetic location: 7q21.2.
Variant type: Deletion.
Coding change: c.7034_7036del on transcript NM_005751.5 (MANE Select); coding-DNA positions 7034 to 7036, 3 bases deleted (GAG; older notation c.7034_7036delGAG).
Protein change: p.Arg2345_Glu2346delinsLys.
Molecular consequence: inframe indel.
Genome position (GRCh38, 1-based): chr7:92,079,167-92,079,169, GAG deleted. VCF-style (leftmost placement, unchanged base first): chr7-92079166-AGAG-A. GRCh37 (hg19) VCF-style: chr7-91708480-AGAG-A.
Other names: c.1679_1681del, p.Arg560_Glu561delinsLys (NM_001379277.1); c.7010_7012del, p.Arg2337_Glu2338delinsLys (NM_147185.3); c.7034_7036delGAG (NM_005751.5, NM_005751.4).
Identifiers: ClinVar variation 190490 (VCV000190490.17), dbSNP rs786205709, ClinGen allele CA300621.